The following is an entry in ClinVar:

NM_005629.4(SLC6A8):c.1366G>A (p.Val456Ile)

Gene: SLC6A8 (solute carrier family 6 member 8; plus strand). Cytogenetic location: Xq28.
Variant type: single nucleotide variant.
Coding change: c.1366G>A on transcript NM_005629.4 (MANE Select); coding-DNA position 1366, G replaced by A.
Protein change: p.Val456Ile; replaces valine 456 with isoleucine.
Molecular consequence: missense variant.
Genome position (GRCh38, 1-based): chrX:153,694,241, G>A. VCF-style: chrX-153694241-G-A. GRCh37 (hg19) VCF-style: chrX-152959696-G-A.
Other names: c.1336G>A, p.Val446Ile (NM_001142805.2); c.1021G>A, p.Val341Ile (NM_001142806.1); short protein forms V456I, V341I, V446I.
Identifiers: ClinVar variation 2915299 (VCV002915299.3), dbSNP rs2522166695, ClinGen allele CA415087016.
Genomic context (GRCh38, chrX:153,694,241, plus strand): 5'-TCCTACTACTTCCGTTTCCAAAGGGAGATCTCTGTGGCCCTCTGTTGTGCCCTCTGCTTT[G>A]TCATCGATCTCTCCATGGTGACTGATGTGAGTGGGGTGGGGGGTCTGCCTGTGACCTCTG-3'
Protein context (NP_005620.1, residues 446-466): SVALCCALCF[Val456Ile]IDLSMVTDGG

ClinVar aggregate classification (germline): Uncertain significance (1 of 4 stars; one submission).

Conditions:
Creatine transporter deficiency (CCDS1). Also called: Mental retardation , X-linked with seizures, short stature and midface hypoplasia; Mental retardation , X-linked, with creatine transport deficiency; X-linked creatine transporter deficiency; X-linked creatine deficiency syndrome; SLC6A8-Related Creatine Transporter Deficiency; CREATINE TRANSPORTER DEFECT. Identifiers: Orphanet 52503, MedGen C1845862, MONDO:0010305, OMIM 300352.

Submission:

Labcorp Genetics (formerly Invitae), Labcorp
Classification: Uncertain significance for Creatine transporter deficiency. Last evaluated: 2024-12-02. Review status: criteria provided, single submitter. Criteria: Invitae Variant Classification Sherloc (09022015). Collection method: clinical testing. Allele origin: germline.
Comment: This sequence change replaces valine, which is neutral and non-polar, with isoleucine, which is neutral and non-polar, at codon 456 of the SLC6A8 protein (p.Val456Ile). This variant is not present in population databases (gnomAD no frequency). This variant has not been reported in the literature in individuals affected with SLC6A8-related conditions. ClinVar contains an entry for this variant (Variation ID: 2915299). Invitae Evidence Modeling of protein sequence and biophysical properties (such as structural, functional, and spatial information, amino acid conservation, physicochemical variation, residue mobility, and thermodynamic stability) indicates that this missense variant is not expected to disrupt SLC6A8 protein function with a negative predictive value of 95%. In summary, the available evidence is currently insufficient to determine the role of this variant in disease. Therefore, it has been classified as a Variant of Uncertain Significance.